The following is an entry in ClinVar:

NM_001162501.2(TNRC6B):c.2930A>G (p.Asn977Ser)

Gene: TNRC6B (trinucleotide repeat containing adaptor 6B; plus strand). Cytogenetic location: 22q13.1.
Variant type: single nucleotide variant.
Coding change: c.2930A>G on transcript NM_001162501.2 (MANE Select); coding-DNA position 2930, A replaced by G.
Protein change: p.Asn977Ser; replaces asparagine 977 with serine.
Molecular consequence: missense variant. On other transcripts: intron variant (1).
Genome position (GRCh38, 1-based): chr22:40,270,245, A>G. VCF-style: chr22-40270245-A-G. GRCh37 (hg19) VCF-style: chr22-40666249-A-G.
Other names: c.689A>G, p.Asn230Ser (NM_001024843.2); c.2807-3180A>G (NM_015088.3); short protein forms N230S, N977S.
Identifiers: ClinVar variation 3354046 (VCV003354046.1).

ClinVar aggregate classification (germline): Uncertain significance (0 of 4 stars; one submission).

Conditions:
TNRC6B-related disorder. Also called: TNRC6B-related condition.

gnomAD v4.1: 3 of 1,494,572 alleles (0.0002%); highest among the groups gnomAD compares: Non-Finnish European, 0.00027%; no homozygotes.

Submission:

PreventionGenetics, part of Exact Sciences
Classification: Uncertain significance for TNRC6B-related condition. Last evaluated: 2024-09-27. Review status: no assertion criteria provided. Collection method: clinical testing. Allele origin: germline.
Comment: The TNRC6B c.2930A>G variant is predicted to result in the amino acid substitution p.Asn977Ser. To our knowledge, this variant has not been reported in the literature or in a large population database, indicating this variant is rare. At this time, the clinical significance of this variant is uncertain due to the absence of conclusive functional and genetic evidence.